The following is an entry in ClinVar:

ClinVar aggregate classification (germline): Uncertain significance (1 of 4 stars; one submission).

gnomAD v4.1: 1 of 1,613,968 alleles (0.000062%); highest among the groups gnomAD compares: Non-Finnish European, 0.000085%; no homozygotes.

Submission:

Ambry Genetics
Classification: Uncertain significance. Last evaluated: 2024-12-20. Review status: criteria provided, single submitter. Criteria: Ambry Variant Classification Scheme 2023. Collection method: clinical testing. Allele origin: germline.
Comment: The p.I1017F variant (also known as c.3049A>T), located in coding exon 27 of the KIF1B gene, results from an A to T substitution at nucleotide position 3049. The isoleucine at codon 1017 is replaced by phenylalanine, an amino acid with highly similar properties. This amino acid position is conserved. In addition, the in silico prediction for this alteration is inconclusive. Based on the available evidence, the clinical significance of this variant remains unclear.

NM_001365951.3(KIF1B):c.3187A>T (p.Ile1063Phe)

Gene: KIF1B (kinesin family member 1B; plus strand). Cytogenetic location: 1p36.22.
Variant type: single nucleotide variant.
Coding change: c.3187A>T on transcript NM_001365951.3 (MANE Select); coding-DNA position 3187, A replaced by T.
Protein change: p.Ile1063Phe; replaces isoleucine 1063 with phenylalanine.
Molecular consequence: missense variant.
Genome position (GRCh38, 1-based): chr1:10,337,131, A>T. VCF-style: chr1-10337131-A-T. GRCh37 (hg19) VCF-style: chr1-10397189-A-T.
Other names: c.3187A>T, p.Ile1063Phe (NM_001365952.1); c.3049A>T, p.Ile1017Phe (NM_015074.3); short protein forms I1017F, I1063F.
Identifiers: ClinVar variation 3864044 (VCV003864044.1).
Genomic context (GRCh38, chr1:10,337,131, plus strand): 5'-CAGAGTGACTTTTCGTCTGTTGCAATGACTCGTTCTGGTCTGTCCTTGGAGGAGTTGAGG[A>T]TTGTGGAAGGACAGGGTCAGAGTTCTGAGGTCATCACTCCTCCAGAAGAAATCAGTCGAA-3'
Protein context (NP_001352880.1, residues 1053-1073): RSGLSLEELR[Ile1063Phe]VEGQGQSSEV